The following is an entry in ClinVar:

ClinVar aggregate classification (germline): Uncertain significance (1 of 4 stars; one submission).

Conditions:
Osteogenesis imperfecta type 13. Also called: OI, TYPE XIII; Osteogenesis imperfecta, type xiii. Identifiers: Orphanet 666, MedGen C3553887, MONDO:0013924, OMIM 614856.

Submission:

Baylor Genetics
Classification: Uncertain significance for Osteogenesis imperfecta type 13. Last evaluated: 2020-01-28. Review status: criteria provided, single submitter. Criteria: ACMG Guidelines, 2015. Collection method: clinical testing. Allele origin: de novo. Affected: yes.
Comment: This variant was determined to be of uncertain significance according to ACMG Guidelines, 2015 [PMID:25741868].

NM_006129.5(BMP1):c.2543A>G (p.Gln848Arg)

Gene: BMP1 (bone morphogenetic protein 1; plus strand). Cytogenetic location: 8p21.3.
Variant type: single nucleotide variant.
Coding change: c.2543A>G on transcript NM_006129.5 (MANE Select); coding-DNA position 2543, A replaced by G.
Protein change: p.Gln848Arg; replaces glutamine 848 with arginine.
Molecular consequence: missense variant. On other transcripts: non-coding transcript variant (1).
Genome position (GRCh38, 1-based): chr8:22,207,484, A>G. VCF-style: chr8-22207484-A-G. GRCh37 (hg19) VCF-style: chr8-22064997-A-G.
Other names: short protein forms Q848R.
Identifiers: ClinVar variation 1031022 (VCV001031022.1), dbSNP rs1829384655, ClinGen allele CA370510212.